The following is an entry in ClinVar:

NM_000321.3(RB1):c.1942T>A (p.Ser648Thr)

Gene: RB1 (RB transcriptional corepressor 1; plus strand). Cytogenetic location: 13q14.2.
Variant type: single nucleotide variant.
Coding change: c.1942T>A on transcript NM_000321.3 (MANE Select); coding-DNA position 1942, T replaced by A.
Protein change: p.Ser648Thr; replaces serine 648 with threonine.
Molecular consequence: missense variant.
Genome position (GRCh38, 1-based): chr13:48,456,331, T>A. VCF-style: chr13-48456331-T-A. GRCh37 (hg19) VCF-style: chr13-49030467-T-A.
Other names: c.1942T>A, p.Ser648Thr (NM_001407165.1); short protein forms S648T.
Identifiers: ClinVar variation 2183480 (VCV002183480.4), dbSNP rs2138331591, ClinGen allele CA388166231.

ClinVar aggregate classification (germline): Uncertain significance (1 of 4 stars; one submission).

Conditions:
Retinoblastoma (RB1). Also called: RETINOBLASTOMA, SOMATIC. Identifiers: Orphanet 790, MedGen C0035335, MeSH D012175, MONDO:0008380, OMIM 180200, HP:0009919. Disease mechanism: loss of function. Inheritance: Both sporadic and heritable forms are tested..

Allele frequency attached by ClinVar (database versions not stated): gnomAD exomes below 0.00001.
gnomAD v4.1: 4 of 1,614,170 alleles (0.00025%); highest among the groups gnomAD compares: South Asian, 0.0033%; no homozygotes.

Submission:

Labcorp Genetics (formerly Invitae), Labcorp
Classification: Uncertain significance for Retinoblastoma. Last evaluated: 2022-09-23. Review status: criteria provided, single submitter. Criteria: Invitae Variant Classification Sherloc (09022015). Collection method: clinical testing. Allele origin: germline.
Comment: In summary, the available evidence is currently insufficient to determine the role of this variant in disease. Therefore, it has been classified as a Variant of Uncertain Significance. Advanced modeling of protein sequence and biophysical properties (such as structural, functional, and spatial information, amino acid conservation, physicochemical variation, residue mobility, and thermodynamic stability) performed at Invitae indicates that this missense variant is not expected to disrupt RB1 protein function. This variant has not been reported in the literature in individuals affected with RB1-related conditions. This variant is not present in population databases (gnomAD no frequency). This sequence change replaces serine, which is neutral and polar, with threonine, which is neutral and polar, at codon 648 of the RB1 protein (p.Ser648Thr).